The following is an entry in ClinVar:

NM_173354.5(SIK1):c.301A>G (p.Ile101Val)

Gene: SIK1 (salt inducible kinase 1; minus strand). Cytogenetic location: 21q22.3.
Variant type: single nucleotide variant.
Coding change: c.301A>G on transcript NM_173354.5 (MANE Select); coding-DNA position 301, A replaced by G.
Protein change: p.Ile101Val; replaces isoleucine 101 with valine.
Molecular consequence: missense variant.
Genome position (GRCh38, 1-based): chr21:43,422,010, T>C on the plus strand (A>G on the coding strand, the complement: SIK1 is on the minus strand). VCF-style: chr21-43422010-T-C. GRCh37 (hg19) VCF-style: chr21-44841890-T-C.
Other names: short protein forms I101V.
Identifiers: ClinVar variation 847166 (VCV000847166.10), dbSNP rs1162511475, ClinGen allele CA410610536.

ClinVar aggregate classification (germline): Uncertain significance. Review status: criteria provided, multiple submitters, no conflicts (2 of 4 stars). 2 submissions from 2 submitters: Uncertain significance (2). Last evaluated 2025-09-16.

Conditions:
Developmental and epileptic encephalopathy, 30 (DEE30). Also called: Epileptic encephalopathy, early infantile, 30. Identifiers: MedGen C4225360, MONDO:0014595, OMIM 616341.
Inborn genetic diseases. Identifiers: MedGen C0950123, MeSH D030342.

Allele frequency attached by ClinVar (database versions not stated): gnomAD exomes 0.00001.

Submissions (2):

Labcorp Genetics (formerly Invitae), Labcorp
Classification: Uncertain significance for Developmental and epileptic encephalopathy, 30. Last evaluated: 2025-09-16. Review status: criteria provided, single submitter. Criteria: Invitae Variant Classification Sherloc (09022015). Collection method: clinical testing. Allele origin: germline.
Comment: This sequence change replaces isoleucine, which is neutral and non-polar, with valine, which is neutral and non-polar, at codon 101 of the SIK1 protein (p.Ile101Val). This variant is present in population databases (no rsID available, gnomAD 0.007%). This missense change has been observed in individual(s) with clinical features of SIK1-related conditions (internal data). ClinVar contains an entry for this variant (Variation ID: 847166). Invitae Evidence Modeling of protein sequence and biophysical properties (such as structural, functional, and spatial information, amino acid conservation, physicochemical variation, residue mobility, and thermodynamic stability) indicates that this missense variant is not expected to disrupt SIK1 protein function with a negative predictive value of 95%. In summary, the available evidence is currently insufficient to determine the role of this variant in disease. Therefore, it has been classified as a Variant of Uncertain Significance.

Ambry Genetics
Classification: Uncertain significance for Inborn genetic diseases. Last evaluated: 2017-07-17. Review status: criteria provided, single submitter. Criteria: Ambry Variant Classification Scheme 2023. Collection method: clinical testing. Allele origin: germline.
Comment: The p.I101V variant (also known as c.301A>G), located in coding exon 3 of the SIK1 gene, results from an A to G substitution at nucleotide position 301. The isoleucine at codon 101 is replaced by valine, an amino acid with highly similar properties. This amino acid position is well conserved in available vertebrate species. In addition, this alteration is predicted to be tolerated by in silico analysis. Since supporting evidence is limited at this time, the clinical significance of this alteration remains unclear.